The following is an entry in ClinVar:

NM_022828.5(YTHDC2):c.1689-5_1689-3del

Gene: YTHDC2 (YTH N6-methyladenosine RNA binding protein C2; plus strand). Cytogenetic location: 5q22.2.
Variant type: Deletion.
Coding change: c.1689-5_1689-3del on transcript NM_022828.5 (MANE Select); 5 bases into the intron before coding-DNA position 1689 through 3 bases into the intron before coding-DNA position 1689, 3 bases deleted (TTC; older notation c.1689-5_1689-3delTTC).
Molecular consequence: intron variant.
Genome position (GRCh38, 1-based): chr5:113,553,176-113,553,178, TTC deleted. VCF-style (leftmost placement, unchanged base first): chr5-113553175-TTTC-T. GRCh37 (hg19) VCF-style: chr5-112888872-TTTC-T.
Other names: c.1203-5_1203-3del (NM_001345975.2); c.789-5_789-3del (NM_001345976.2).
Identifiers: ClinVar variation 3042914 (VCV003042914.2), dbSNP rs775089773, ClinGen allele CA3371904.

ClinVar aggregate classification (germline): Likely benign (0 of 4 stars; one submission).

Conditions:
YTHDC2-related disorder. Also called: YTHDC2-related condition.

Allele frequency attached by ClinVar (database versions not stated): TOPMed below 0.00001; gnomAD exomes 0.00062; ExAC 0.00466; ESP Exome Variant Server 0.25949.

Submission:

PreventionGenetics, part of Exact Sciences
Classification: Likely benign for YTHDC2-related condition. Last evaluated: 2019-11-18. Review status: no assertion criteria provided. Collection method: clinical testing. Allele origin: germline.
Comment: This variant is classified as likely benign based on ACMG/AMP sequence variant interpretation guidelines (Richards et al. 2015 PMID: 25741868, with internal and published modifications).